The following is an entry in ClinVar:

NM_001277115.2(DNAH11):c.9484-18_9486del

Gene: DNAH11 (dynein axonemal heavy chain 11; plus strand). Cytogenetic location: 7p15.3.
Variant type: Deletion.
Coding change: c.9484-18_9486del on transcript NM_001277115.2 (MANE Select); 18 bases into the intron before coding-DNA position 9484 through coding-DNA position 9486, 21 bases deleted (CTTTTCCTCTTTAATTAGGTG).
Molecular consequence: splice acceptor variant.
Genome position (GRCh38, 1-based): chr7:21,784,409-21,784,429, CTTTTCCTCTTTAATTAGGTG deleted; deleting any 21 consecutive bases within chr7:21,784,406-21,784,429 gives the same sequence; the c. name uses the placement nearest the transcript's 3' end. VCF-style (leftmost placement, unchanged base first): chr7-21784405-TGTGCTTTTCCTCTTTAATTAG-T. GRCh37 (hg19) VCF-style: chr7-21824023-TGTGCTTTTCCTCTTTAATTAG-T.
Identifiers: ClinVar variation 842995 (VCV000842995.8), dbSNP rs1788083949, ClinGen allele CA916082919.

ClinVar aggregate classification (germline): Likely pathogenic (1 of 4 stars; one submission).

Conditions:
Primary ciliary dyskinesia. Also called: Ciliary dyskinesia. Identifiers: Orphanet 244, MedGen C0008780, MONDO:0016575, HP:0012265.

Submission:

Labcorp Genetics (formerly Invitae), Labcorp
Classification: Likely pathogenic for Primary ciliary dyskinesia. Last evaluated: 2019-12-06. Review status: criteria provided, single submitter. Criteria: Invitae Variant Classification Sherloc (09022015). Collection method: clinical testing. Allele origin: germline.
Comment: This variant results in the deletion of part of exon 58 (c.9484-18_9486del) of the DNAH11 gene. It is expected to disrupt RNA splicing and likely results in an absent or disrupted protein product. In summary, the currently available evidence indicates that the variant is pathogenic, but additional data are needed to prove that conclusively. Therefore, this variant has been classified as Likely Pathogenic. Loss-of-function variants in DNAH11 are known to be pathogenic (PMID: 18022865, 20513915, 22184204). Algorithms developed to predict the effect of sequence changes on RNA splicing suggest that this variant may disrupt the consensus splice site, but this prediction has not been confirmed by published transcriptional studies. This variant has not been reported in the literature in individuals with DNAH11-related conditions. This variant is not present in population databases (ExAC no frequency).

Literature cited by the submitters: PubMed 18022865; PubMed 20513915; PubMed 22184204.